The following is an entry in ClinVar:

NM_000238.4(KCNH2):c.76+5G>C

Gene: KCNH2 (potassium voltage-gated channel subfamily H member 2; minus strand). Cytogenetic location: 7q36.1.
Variant type: single nucleotide variant.
Coding change: c.76+5G>C on transcript NM_000238.4 (MANE Select); 5 bases into the intron after coding-DNA position 76, G replaced by C.
Molecular consequence: intron variant.
Genome position (GRCh38, 1-based): chr7:150,977,833, C>G on the plus strand (G>C on the coding strand, the complement: KCNH2 is on the minus strand). VCF-style: chr7-150977833-C-G. GRCh37 (hg19) VCF-style: chr7-150674921-C-G.
Other names: c.76+5G>C (NM_172056.3).
Identifiers: ClinVar variation 2098873 (VCV002098873.5), dbSNP rs1802015561, ClinGen allele CA2580077696.

ClinVar aggregate classification (germline): Uncertain significance. Review status: criteria provided, multiple submitters, no conflicts (2 of 4 stars). 2 submissions from 2 submitters: Uncertain significance (2). Last evaluated 2022-02-18.

Conditions:
Long QT syndrome (LQTS). Identifiers: MedGen C0023976, MeSH D008133, MONDO:0002442. Disease mechanism: loss of function. Inheritance: Various modes of inheritance.

Submissions (2):

Labcorp Genetics (formerly Invitae), Labcorp
Classification: Uncertain significance for Long QT syndrome. Last evaluated: 2022-02-18. Review status: criteria provided, single submitter. Criteria: Invitae Variant Classification Sherloc (09022015). Collection method: clinical testing. Allele origin: germline.
Comment: In summary, the available evidence is currently insufficient to determine the role of this variant in disease. Therefore, it has been classified as a Variant of Uncertain Significance. Variants that disrupt the consensus splice site are a relatively common cause of aberrant splicing (PMID: 17576681, 9536098). Algorithms developed to predict the effect of sequence changes on RNA splicing suggest that this variant may disrupt the consensus splice site. This variant has not been reported in the literature in individuals affected with KCNH2-related conditions. This variant is not present in population databases (gnomAD no frequency). This sequence change falls in intron 1 of the KCNH2 gene. It does not directly change the encoded amino acid sequence of the KCNH2 protein. It affects a nucleotide within the consensus splice site.

Blueprint Genetics
Classification: Uncertain significance. Last evaluated: 2019-12-16. Review status: criteria provided, single submitter. Criteria: ACMG Guidelines, 2015. Collection method: clinical testing. Allele origin: germline.

Literature cited by the submitters: PubMed 17576681 (cited by Labcorp Genetics (formerly Invitae), Labcorp); PubMed 9536098 (cited by Labcorp Genetics (formerly Invitae), Labcorp).